The following is an entry in ClinVar:

NM_001042432.2(CLN3):c.481_485del (p.Ser161fs)

Gene: CLN3 (CLN3 lysosomal/endosomal transmembrane protein, battenin; minus strand). Cytogenetic location: 16p12.1.
Variant type: Deletion.
Coding change: c.481_485del on transcript NM_001042432.2 (MANE Select); coding-DNA positions 481 to 485, 5 bases deleted (TCATC; older notation c.481_485delTCATC).
Protein change: p.Ser161fs; shifts the reading frame from serine 161.
Molecular consequence: frameshift variant.
Genome position (GRCh38, 1-based): chr16:28,486,626-28,486,630, GATGA deleted on the plus strand (TCATC on the coding strand, the reverse complement: CLN3 is on the minus strand); deleting any 5 consecutive bases within chr16:28,486,626-28,486,634 gives the same sequence; the c. name uses the placement nearest the transcript's 3' end. VCF-style (leftmost placement, unchanged base first): chr16-28486625-TGATGA-T. GRCh37 (hg19) VCF-style: chr16-28497946-TGATGA-T.
Other names: c.481_485del, p.Ser161fs (NM_000086.2); c.409_413del, p.Ser137fs (NM_001286104.2); c.181_185del, p.Ser61fs (NM_001286105.2); c.247_251del, p.Ser83fs (NM_001286109.2); c.319_323del, p.Ser107fs (NM_001286110.2); short protein forms S107fs, S161fs, S83fs, S137fs, S61fs.
Identifiers: ClinVar variation 3640140 (VCV003640140.2).

ClinVar aggregate classification (germline): Pathogenic (1 of 4 stars; one submission).

Conditions:
Neuronal ceroid lipofuscinosis. Also called: Neuronal Ceroid Lipofuscinoses. Identifiers: Orphanet 216, Orphanet 79263, MedGen C0027877, MONDO:0016295. Disease mechanism: loss of function.

Submission:

Labcorp Genetics (formerly Invitae), Labcorp
Classification: Pathogenic for Neuronal ceroid lipofuscinosis. Last evaluated: 2024-02-18. Review status: criteria provided, single submitter. Criteria: Invitae Variant Classification Sherloc (09022015). Collection method: clinical testing. Allele origin: germline.
Comment: This sequence change creates a premature translational stop signal (p.Ser161Argfs*73) in the CLN3 gene. It is expected to result in an absent or disrupted protein product. Loss-of-function variants in CLN3 are known to be pathogenic (PMID: 9311735, 28542676). This variant is not present in population databases (gnomAD no frequency). This variant has not been reported in the literature in individuals affected with CLN3-related conditions. For these reasons, this variant has been classified as Pathogenic.

Literature cited by the submitters: PubMed 9311735; PubMed 28542676.